The following is an entry in ClinVar:

NM_145046.5(CALR3):c.398-10T>G

Gene: CALR3 (calreticulin 3; minus strand). Cytogenetic location: 19p13.11.
Variant type: single nucleotide variant.
Coding change: c.398-10T>G on transcript NM_145046.5 (MANE Select); 10 bases into the intron before coding-DNA position 398, T replaced by G.
Molecular consequence: intron variant.
Genome position (GRCh38, 1-based): chr19:16,485,267, A>C on the plus strand (T>G on the coding strand, the complement: CALR3 is on the minus strand). VCF-style: chr19-16485267-A-C. GRCh37 (hg19) VCF-style: chr19-16596078-A-C.
Identifiers: ClinVar variation 3620341 (VCV003620341.2).

ClinVar aggregate classification (germline): Uncertain significance (1 of 4 stars; one submission).

Conditions:
Hypertrophic cardiomyopathy 19. Also called: Familial hypertrophic cardiomyopathy 19. Identifiers: MedGen CN077603, MONDO:0013476.

gnomAD v4.1: 47 of 1,539,300 alleles (0.0031%); highest among the groups gnomAD compares: East Asian, 0.11%; 1 homozygote.

Submission:

Labcorp Genetics (formerly Invitae), Labcorp
Classification: Uncertain significance for Hypertrophic cardiomyopathy 19. Last evaluated: 2025-01-23. Review status: criteria provided, single submitter. Criteria: Invitae Variant Classification Sherloc (09022015). Collection method: clinical testing. Allele origin: germline.
Comment: This sequence change falls in intron 3 of the CALR3 gene. It does not directly change the encoded amino acid sequence of the CALR3 protein. This variant is present in population databases (rs750352175, gnomAD 0.01%). This variant has not been reported in the literature in individuals affected with CALR3-related conditions. Algorithms developed to predict the effect of sequence changes on RNA splicing suggest that this variant may disrupt the consensus splice site. In summary, the available evidence is currently insufficient to determine the role of this variant in disease. Therefore, it has been classified as a Variant of Uncertain Significance.